The following is an entry in ClinVar:

NM_000540.3(RYR1):c.13756T>C (p.Ser4586Pro)

Gene: RYR1 (ryanodine receptor 1; plus strand). Cytogenetic location: 19q13.2.
Variant type: single nucleotide variant.
Coding change: c.13756T>C on transcript NM_000540.3 (MANE Select); coding-DNA position 13756, T replaced by C.
Protein change: p.Ser4586Pro; replaces serine 4586 with proline.
Molecular consequence: missense variant.
Genome position (GRCh38, 1-based): chr19:38,572,028, T>C. VCF-style: chr19-38572028-T-C. GRCh37 (hg19) VCF-style: chr19-39062668-T-C.
Other names: c.13741T>C, p.Ser4581Pro (NM_001042723.2); short protein forms S4586P, S4581P.
Identifiers: ClinVar variation 478189 (VCV000478189.9), dbSNP rs1555801840, ClinGen allele CA405679946.
Genomic context (GRCh38, chr19:38,572,028, plus strand): 5'-GTGGGCTCTGCATGTGGCAGACCCACAGATGAATCTCTGTCCCCATTTCAGGTCTCAGAC[T>C]CTCCACCAGGGGAGGACGACATGGAAGGCTCAGCTGCTGGGGATGTGTCAGGTGCAGGCT-3'
Protein context (NP_000531.2, residues 4576-4596): FILLFYKVSD[Ser4586Pro]PPGEDDMEGS

ClinVar aggregate classification (germline): Uncertain significance. Review status: criteria provided, multiple submitters, no conflicts (2 of 4 stars). 2 submissions from 2 submitters: Uncertain significance (2). Last evaluated 2025-12-26.

Conditions:
Congenital multicore myopathy with external ophthalmoplegia (CMYO1B). Also called: MULTICORE MYOPATHY; Minicore myopathy with external ophthalmoplegia; MULTIMINICORE DISEASE WITH EXTERNAL OPHTHALMOPLEGIA; Congenital myopathy 1B, autosomal recessive; Minicore myopathy. Identifiers: Orphanet 598, Orphanet 98905, MedGen C1850674, MONDO:0009712, OMIM 255320, HP:0003789.
RYR1-related disorder. Also called: RYR1-related disorders; RYR1-related condition. Identifiers: MedGen CN239331.

Submissions (2):

3billion
Classification: Uncertain significance for Congenital multicore myopathy with external ophthalmoplegia. Last evaluated: 2025-12-26. Review status: criteria provided, single submitter. Criteria: ACMG Guidelines, 2015. Collection method: clinical testing. Allele origin: germline. Affected: yes.
Comment: The variant is not observed in the gnomAD v4.1.0 dataset. Predicted Consequence/Location: Missense variant Damaging effect on gene or gene product predicted by in silico programs is uncertain [REVEL: 0.43 (damaging >=0.6, benign <0.4), 3Cnet: 0.07 (damaging >0.75, benign <0.1)]. The variant has been reported as of uncertain significance (ClinVar ID: VCV000478189). Different missense changes at the same codon have been reported as of uncertain significance (ClinVar ID: VCV003073198). Therefore, this variant is classified as VUS according to the recommendation of ACMG/AMP guideline.

Labcorp Genetics (formerly Invitae), Labcorp
Classification: Uncertain significance for RYR1-related disorder. Last evaluated: 2018-05-03. Review status: criteria provided, single submitter. Criteria: Invitae Variant Classification Sherloc (09022015). Collection method: clinical testing. Allele origin: germline.
Comment: Algorithms developed to predict the effect of missense changes on protein structure and function do not agree on the potential impact of this missense change (SIFT: "Deleterious"; Align-GVGD: "Class C0"). This sequence change replaces serine with proline at codon 4586 of the RYR1 protein (p.Ser4586Pro). The serine residue is highly conserved and there is a moderate physicochemical difference between serine and proline. This variant is not present in population databases (ExAC no frequency). This variant has not been reported in the literature in individuals with RYR1-related disease. ClinVar contains an entry for this variant (Variation ID: 478189). In summary, the available evidence is currently insufficient to determine the role of this variant in disease. Therefore, it has been classified as a Variant of Uncertain Significance. This missense change is located in a region of the RYR1 protein where a significant number of previously reported RYR1 missense variants are found (PMID: 16084090). These observations suggest that a previously unreported missense substitution within this region may affect protein function, but experiments have not been done to test this possibility.

Literature cited by the submitters: PubMed 16084090 (cited by Labcorp Genetics (formerly Invitae), Labcorp).